The following is an entry in ClinVar:

ClinVar aggregate classification (germline): Uncertain significance (1 of 4 stars; one submission).

Conditions:
Hereditary cancer-predisposing syndrome. Also called: Hereditary Cancer Syndrome; Hereditary neoplastic syndrome; Neoplastic Syndromes, Hereditary; Tumor predisposition. Identifiers: Orphanet 140162, MedGen C0027672, MeSH D009386, MONDO:0015356.

Allele frequency attached by ClinVar (database versions not stated): TOPMed 0.00001; gnomAD 0.00003.
gnomAD v4.1: 4 of 151,536 alleles (0.0026%); highest among the groups gnomAD compares: Admixed American, 0.026%; no homozygotes.

Submission:

Sema4
Classification: Uncertain significance for Hereditary cancer-predisposing syndrome. Last evaluated: 2022-02-26. Review status: criteria provided, single submitter. Criteria: Sema4 Curation Guidelines. Collection method: curation. Allele origin: germline.
Comment: The POT1 c.-153-5T>C variant has not been reported in the literature to our knowledge. It was not observed in the large and broad cohorts of the Genome Aggregation Database (PMID: 32461654). This variant has not been reported in ClinVar. Algorithms developed to predict the effect of sequence changes on RNA splicing do not suggest negative effect, though these predictions have not been confirmed by functional studies. The evidence is insufficient to meet ACMG/AMP criteria for classifying the variant as benign or pathogenic. Thus, the clinical significance of this variant is currently uncertain.

NM_015450.3(POT1):c.-153-5T>C

Gene: POT1 (protection of telomeres 1; minus strand). Cytogenetic location: 7q31.33.
Variant type: single nucleotide variant.
Coding change: c.-153-5T>C on transcript NM_015450.3 (MANE Select); 5 bases into the intron before 153 bases upstream of the start codon, T replaced by C.
Molecular consequence: intron variant.
Genome position (GRCh38, 1-based): chr7:124,898,379, A>G on the plus strand (T>C on the coding strand, the complement: POT1 is on the minus strand). VCF-style: chr7-124898379-A-G. GRCh37 (hg19) VCF-style: chr7-124538433-A-G.
Other names: c.-415-5T>C (NM_001042594.2).
Identifiers: ClinVar variation 1691875 (VCV001691875.1), dbSNP rs1382510418, ClinGen allele CA832762339.